The following is an entry in ClinVar:

NM_014425.5(INVS):c.2685C>T (p.Pro895=)

Gene: INVS (inversin; plus strand). Cytogenetic location: 9q31.1.
Variant type: single nucleotide variant.
Coding change: c.2685C>T on transcript NM_014425.5 (MANE Select); coding-DNA position 2685, C replaced by T.
Protein change: p.Pro895=; no amino-acid change (proline 895 retained).
Molecular consequence: synonymous variant. On other transcripts: non-coding transcript variant (1).
Genome position (GRCh38, 1-based): chr9:100,292,942, C>T. VCF-style: chr9-100292942-C-T. GRCh37 (hg19) VCF-style: chr9-103055224-C-T.
Other names: c.2685C>T (NM_014425.4, NM_014425.2); c.2397C>T, p.Pro799= (NM_001318381.2); c.1707C>T, p.Pro569= (NM_001318382.2).
Identifiers: ClinVar variation 1623368 (VCV001623368.37), dbSNP rs371932940, ClinGen allele CA5158674.

ClinVar aggregate classification (germline): Likely benign. Review status: criteria provided, multiple submitters, no conflicts (2 of 4 stars). 6 submissions from 6 submitters: Likely benign (5). 1 of the submissions does not count toward it. Last evaluated 2026-02-01.

Conditions:
Nephronophthisis. Also called: Juvenile Nephronophthisis. Identifiers: Orphanet 655, MedGen C0687120, MONDO:0019005, HP:0000090.
Inborn genetic diseases. Identifiers: MedGen C0950123, MeSH D030342.
Infantile nephronophthisis (NPHP2). Also called: Nephronophthisis 2; Nephronophthisis 2, infantile. Identifiers: Orphanet 655, Orphanet 93591, MedGen C1865872, MONDO:0011190, OMIM 602088.
INVS-related disorder. Also called: INVS-related condition.

Allele frequency attached by ClinVar (database versions not stated): gnomAD 0.00011 and 0.00013; TOPMed 0.00014; ESP Exome Variant Server 0.00023.
gnomAD v4.1: 292 of 1,613,010 alleles (0.018%); highest among the groups gnomAD compares: Non-Finnish European, 0.021%; no homozygotes.

Submissions (6):

Labcorp Genetics (formerly Invitae), Labcorp
Classification: Likely benign for Nephronophthisis. Last evaluated: 2026-02-01. Review status: criteria provided, single submitter. Criteria: Invitae Variant Classification Sherloc (09022015). Collection method: clinical testing. Allele origin: germline.

Ambry Genetics
Classification: Likely benign for Inborn genetic diseases. Last evaluated: 2024-08-27. Review status: criteria provided, single submitter. Criteria: Ambry Variant Classification Scheme 2023. Collection method: clinical testing. Allele origin: germline.

Blueprint Genetics
Classification: Likely benign. Last evaluated: 2024-07-30. Review status: criteria provided, single submitter. Criteria: ACMG Guidelines, 2015. Collection method: clinical testing. Allele origin: germline.

CeGaT Center for Human Genetics Tuebingen
Classification: Likely benign. Last evaluated: 2024-07-01. Review status: criteria provided, single submitter. Criteria: CeGaT Center For Human Genetics Tuebingen Variant Classification Criteria Version 2. Collection method: clinical testing. Allele origin: germline. Affected: yes. Observed: 2 variant alleles.
Comment: INVS: BP4, BP7

Fulgent Genetics
Classification: Likely benign for Infantile nephronophthisis. Last evaluated: 2021-12-14. Review status: criteria provided, single submitter. Criteria: ACMG Guidelines, 2015. Collection method: clinical testing. Allele origin: unknown.

PreventionGenetics, part of Exact Sciences
Classification: Likely benign for INVS-related condition. Last evaluated: 2021-12-30. Review status: no assertion criteria provided. Collection method: clinical testing. Allele origin: germline. Not counted in ClinVar's aggregate classification.
Comment: This variant is classified as likely benign based on ACMG/AMP sequence variant interpretation guidelines (Richards et al. 2015 PMID: 25741868, with internal and published modifications).